The following is an entry in ClinVar:

NM_144991.3(TSPEAR):c.1336G>T (p.Gly446Cys)

Gene: TSPEAR (thrombospondin type laminin G domain and EAR repeats; minus strand). Cytogenetic location: 21q22.3.
Variant type: single nucleotide variant.
Coding change: c.1336G>T on transcript NM_144991.3 (MANE Select); coding-DNA position 1336, G replaced by T.
Protein change: p.Gly446Cys; replaces glycine 446 with cysteine.
Molecular consequence: missense variant.
Genome position (GRCh38, 1-based): chr21:44,525,653, C>A on the plus strand (G>T on the coding strand, the complement: TSPEAR is on the minus strand). VCF-style: chr21-44525653-C-A. GRCh37 (hg19) VCF-style: chr21-45945536-C-A.
Other names: c.1132G>T, p.Gly378Cys (NM_001272037.2); c.1336G>T (NM_144991.2); short protein forms G446C, G378C.
Identifiers: ClinVar variation 3011580 (VCV003011580.3), dbSNP rs2052840510, ClinGen allele CA410439016.
Genomic context (GRCh38, chr21:44,525,653, plus strand): 5'-CAAGTCTCGCTCTGCCCCTGGAATGGTTGCCTCCCGGTGTGAAGGCCACTCCTGCCCTAC[C>A]TTCCCGGTGGTTGGCCACCGCCAGGAAGTGCTCCCCATCCACCTCGAAGGCCTCCCAGTC-3'
Protein context (NP_659428.2, residues 436-456): HFLAVANHRE[Gly446Cys]DNHNIDSVIY

ClinVar aggregate classification (germline): Uncertain significance. Review status: criteria provided, multiple submitters, no conflicts (2 of 4 stars). 2 submissions from 2 submitters: Uncertain significance (2). Last evaluated 2024-08-23.

Allele frequency attached by ClinVar (database versions not stated): TOPMed 0.00001.

Submissions (2):

GeneDx
Classification: Uncertain significance. Last evaluated: 2024-08-23. Review status: criteria provided, single submitter. Criteria: GeneDx Variant Classification Process June 2021. Collection method: clinical testing. Allele origin: germline. Affected: yes.
Comment: Not observed at significant frequency in large population cohorts (gnomAD); In silico analysis supports that this missense variant has a deleterious effect on protein structure/function; Has not been previously published as pathogenic or benign to our knowledge; In silico analysis is inconclusive as to whether the variant alters gene splicing. In the absence of RNA/functional studies, the actual effect of this sequence change is unknown.

Labcorp Genetics (formerly Invitae), Labcorp
Classification: Uncertain significance. Last evaluated: 2023-09-01. Review status: criteria provided, single submitter. Criteria: Invitae Variant Classification Sherloc (09022015). Collection method: clinical testing. Allele origin: germline.
Comment: In summary, the available evidence is currently insufficient to determine the role of this variant in disease. Therefore, it has been classified as a Variant of Uncertain Significance. This sequence change replaces glycine, which is neutral and non-polar, with cysteine, which is neutral and slightly polar, at codon 446 of the TSPEAR protein (p.Gly446Cys). This variant also falls at the last nucleotide of exon 8, which is part of the consensus splice site for this exon. This variant is not present in population databases (gnomAD no frequency). This variant has not been reported in the literature in individuals affected with TSPEAR-related conditions. An algorithm developed to predict the effect of missense changes on protein structure and function (PolyPhen-2) suggests that this variant is likely to be disruptive. Variants that disrupt the consensus splice site are a relatively common cause of aberrant splicing (PMID: 17576681, 9536098). Algorithms developed to predict the effect of sequence changes on RNA splicing suggest that this variant may disrupt the consensus splice site.

Literature cited by the submitters: PubMed 17576681 (cited by Labcorp Genetics (formerly Invitae), Labcorp); PubMed 9536098 (cited by Labcorp Genetics (formerly Invitae), Labcorp).